The following is an entry in ClinVar:

ClinVar aggregate classification (germline): Benign. Review status: criteria provided, multiple submitters, no conflicts (2 of 4 stars). 3 submissions from 3 submitters: Benign (3). Last evaluated 2018-07-09.

Conditions:
Charcot-Marie-Tooth disease type 1C. Also called: HMSN IC; CHARCOT-MARIE-TOOTH NEUROPATHY, TYPE 1C; NEUROPATHY, HEREDITARY MOTOR AND SENSORY, TYPE IC; CHARCOT-MARIE-TOOTH DISEASE, DEMYELINATING, TYPE 1C; Charcot-Marie-Tooth disease, type IC; CMT, SLOW NERVE CONDUCTION TYPE C. Identifiers: Orphanet 101083, MedGen C0270913, MONDO:0010995, OMIM 601098.

Allele frequency attached by ClinVar (database versions not stated): gnomAD exomes 0.13793; 1000 Genomes Project 0.11342; 1000 Genomes Project 30x 0.11165; TOPMed 0.12673; gnomAD 0.13585 and 0.13319.
gnomAD v4.1: 20,780 of 152,160 alleles (14%); highest among the groups gnomAD compares: South Asian, 22%; 1,711 homozygotes.

Submissions (10):

GeneDx
Classification: Benign. Last evaluated: 2018-07-09. Review status: criteria provided, single submitter. Criteria: GeneDx Variant Classification Process June 2021. Collection method: clinical testing. Allele origin: germline. Affected: yes.

Illumina Laboratory Services, Illumina
Classification: Benign for Charcot-Marie-Tooth disease type 1C. Last evaluated: 2018-01-13. Review status: criteria provided, single submitter. Criteria: ICSL Variant Classification Criteria 13 December 2019. Collection method: clinical testing. Allele origin: germline.
Comment: This variant was observed in the ICSL laboratory as part of a predisposition screen in an ostensibly healthy population. It had not been previously curated by ICSL or reported in the Human Gene Mutation Database (HGMD: prior to June 1st, 2018), and was therefore a candidate for classification through an automated scoring system. Utilizing variant allele frequency, disease prevalence and penetrance estimates, and inheritance mode, an automated score was calculated to assess if this variant is too frequent to cause the disease. Based on the score and internal cut-off values, a variant classified as benign is not then subjected to further curation. The score for this variant resulted in a classification of benign for this disease.

Breakthrough Genomics
Classification: Benign. Review status: criteria provided, single submitter. Criteria: ACMG Guidelines, 2015. Collection method: not provided. Allele origin: germline. Inheritance: Autosomal dominant inheritance. Affected: yes.

Dr. Peter K. Rogan Lab, Western University
No classification provided (evidence only). Condition: Acute myeloid leukemia. Review status: no classification provided. Collection method: in vitro. Allele origin: not applicable. Functional consequence: retained intron. Not counted in ClinVar's aggregate classification.

Dr. Peter K. Rogan Lab, Western University
No classification provided (evidence only). Condition: Uterine corpus endometrial carcinoma. Review status: no classification provided. Collection method: in vitro. Allele origin: not applicable. Functional consequence: retained intron. Not counted in ClinVar's aggregate classification.

Dr. Peter K. Rogan Lab, Western University
No classification provided (evidence only). Condition: Ovarian serous cystadenocarcinoma. Review status: no classification provided. Collection method: in vitro. Allele origin: not applicable. Functional consequence: retained intron. Not counted in ClinVar's aggregate classification.

Dr. Peter K. Rogan Lab, Western University
No classification provided (evidence only). Condition: Ovarian serous cystadenocarcinoma. Review status: no classification provided. Collection method: in vitro. Allele origin: not applicable. Functional consequence: retained intron. Not counted in ClinVar's aggregate classification.

Dr. Peter K. Rogan Lab, Western University
No classification provided (evidence only). Condition: Ovarian serous cystadenocarcinoma. Review status: no classification provided. Collection method: in vitro. Allele origin: not applicable. Functional consequence: retained intron. Not counted in ClinVar's aggregate classification.

Dr. Peter K. Rogan Lab, Western University
No classification provided (evidence only). Condition: Ovarian serous cystadenocarcinoma. Review status: no classification provided. Collection method: in vitro. Allele origin: not applicable. Functional consequence: retained intron. Not counted in ClinVar's aggregate classification.

Dr. Peter K. Rogan Lab, Western University
No classification provided (evidence only). Condition: Ovarian serous cystadenocarcinoma. Review status: no classification provided. Collection method: in vitro. Allele origin: not applicable. Functional consequence: retained intron. Not counted in ClinVar's aggregate classification.

NM_001136472.2(LITAF):c.-6+594A>G

Gene: LITAF (lipopolysaccharide induced TNF factor; minus strand). Cytogenetic location: 16p13.13.
Variant type: single nucleotide variant.
Coding change: c.-6+594A>G on transcript NM_001136472.2 (MANE Select); 594 bases into the intron after 6 bases upstream of the start codon, A replaced by G.
Molecular consequence: intron variant.
Genome position (GRCh38, 1-based): chr16:11,586,292, T>C on the plus strand (A>G on the coding strand, the complement: LITAF is on the minus strand). VCF-style: chr16-11586292-T-C. GRCh37 (hg19) VCF-style: chr16-11680148-T-C.
Other names: NC_000016.9:g.11680148T>C; c.-6+594A>G (NM_001136473.1).
Identifiers: ClinVar variation 317792 (VCV000317792.11), dbSNP rs12921437, ClinGen allele CA10642894.